The following is an entry in ClinVar:

NM_003124.5(SPR):c.394C>T (p.Leu132Phe)

Gene: SPR (sepiapterin reductase; plus strand). Cytogenetic location: 2p13.2.
Variant type: single nucleotide variant.
Coding change: c.394C>T on transcript NM_003124.5 (MANE Select); coding-DNA position 394, C replaced by T.
Protein change: p.Leu132Phe; replaces leucine 132 with phenylalanine.
Molecular consequence: missense variant.
Genome position (GRCh38, 1-based): chr2:72,888,403, C>T. VCF-style: chr2-72888403-C-T. GRCh37 (hg19) VCF-style: chr2-73115532-C-T.
Other names: short protein forms L132F.
Identifiers: ClinVar variation 1398487 (VCV001398487.6), dbSNP rs1241762212, ClinGen allele CA347231521.

ClinVar aggregate classification (germline): Uncertain significance (1 of 4 stars; one submission).

Conditions:
Dystonic disorder. Also called: Dystonia. Identifiers: MedGen C0013421, MONDO:0003441, HP:0001332.

Allele frequency attached by ClinVar (database versions not stated): TOPMed 0.00001; gnomAD exomes 0.00002.
gnomAD v4.1: 3 of 1,614,098 alleles (0.00019%); highest among the groups gnomAD compares: Admixed American, 0.005%; no homozygotes.

Submission:

Labcorp Genetics (formerly Invitae), Labcorp
Classification: Uncertain significance for Dystonic disorder. Last evaluated: 2022-04-26. Review status: criteria provided, single submitter. Criteria: Invitae Variant Classification Sherloc (09022015). Collection method: clinical testing. Allele origin: germline.
Comment: Algorithms developed to predict the effect of sequence changes on RNA splicing suggest that this variant may create or strengthen a splice site. This sequence change replaces leucine, which is neutral and non-polar, with phenylalanine, which is neutral and non-polar, at codon 132 of the SPR protein (p.Leu132Phe). This variant is present in population databases (no rsID available, gnomAD 0.009%). This variant has not been reported in the literature in individuals affected with SPR-related conditions. Algorithms developed to predict the effect of missense changes on protein structure and function are either unavailable or do not agree on the potential impact of this missense change (SIFT: "Tolerated"; PolyPhen-2: "Possibly Damaging"; Align-GVGD: "Class C0"). In summary, the available evidence is currently insufficient to determine the role of this variant in disease. Therefore, it has been classified as a Variant of Uncertain Significance.